The following is an entry in ClinVar:

ClinVar aggregate classification (germline): Likely benign (1 of 4 stars; one submission).

Submission:

CeGaT Center for Human Genetics Tuebingen
Classification: Likely benign. Last evaluated: 2025-04-01. Review status: criteria provided, single submitter. Criteria: CeGaT Center For Human Genetics Tuebingen Variant Classification Criteria Version 2. Collection method: clinical testing. Allele origin: germline. Affected: yes. Observed: 1 variant allele.
Comment: LGI3: PM2:Supporting, BP4, BP7

NM_139278.4(LGI3):c.876G>C (p.Leu292=)

Gene: LGI3 (leucine rich repeat LGI family member 3; minus strand). Cytogenetic location: 8p21.3.
Variant type: single nucleotide variant.
Coding change: c.876G>C on transcript NM_139278.4 (MANE Select); coding-DNA position 876, G replaced by C.
Protein change: p.Leu292=; no amino-acid change (leucine 292 retained).
Molecular consequence: synonymous variant.
Genome position (GRCh38, 1-based): chr8:22,148,931, C>G on the plus strand (G>C on the coding strand, the complement: LGI3 is on the minus strand). VCF-style: chr8-22148931-C-G. GRCh37 (hg19) VCF-style: chr8-22006444-C-G.
Identifiers: ClinVar variation 3905771 (VCV003905771.10).